The following is an entry in ClinVar:

ClinVar aggregate classification (germline): Uncertain significance (1 of 4 stars; one submission).

Conditions:
Cardiovascular phenotype. Identifiers: MedGen CN230736.

Allele frequency attached by ClinVar (database versions not stated): gnomAD exomes below 0.00001.
gnomAD v4.1: 2 of 1,614,206 alleles (0.00012%); highest among the groups gnomAD compares: African/African-American, 0.0027%; no homozygotes.

Submission:

Ambry Genetics
Classification: Uncertain significance for Cardiovascular phenotype. Last evaluated: 2023-08-23. Review status: criteria provided, single submitter. Criteria: Ambry Variant Classification Scheme 2023. Collection method: clinical testing. Allele origin: germline.
Comment: The p.G122D variant (also known as c.365G>A), located in coding exon 1 of the KCNJ5 gene, results from a G to A substitution at nucleotide position 365. The glycine at codon 122 is replaced by aspartic acid, an amino acid with similar properties. This amino acid position is not well conserved in available vertebrate species. In addition, this alteration is predicted to be tolerated by in silico analysis. Since supporting evidence is limited at this time, the clinical significance of this alteration remains unclear.

NM_000890.5(KCNJ5):c.365G>A (p.Gly122Asp)

Gene: KCNJ5 (potassium inwardly rectifying channel subfamily J member 5; plus strand). Cytogenetic location: 11q24.3.
Variant type: single nucleotide variant.
Coding change: c.365G>A on transcript NM_000890.5 (MANE Select); coding-DNA position 365, G replaced by A.
Protein change: p.Gly122Asp; replaces glycine 122 with aspartic acid.
Molecular consequence: missense variant.
Genome position (GRCh38, 1-based): chr11:128,911,638, G>A. VCF-style: chr11-128911638-G-A. GRCh37 (hg19) VCF-style: chr11-128781533-G-A.
Other names: c.365G>A, p.Gly122Asp (NM_001354169.2); short protein forms G122D.
Identifiers: ClinVar variation 2625903 (VCV002625903.2), dbSNP rs2497723123, ClinGen allele CA383247433.